The following is an entry in ClinVar:

NM_020975.6(RET):c.3100_3101del (p.Ser1034fs)

Gene: RET (ret proto-oncogene; plus strand). Cytogenetic location: 10q11.21.
Variant type: Microsatellite.
Coding change: c.3100_3101del on transcript NM_020975.6 (MANE Select); coding-DNA positions 3100 to 3101, 2 bases deleted (TC; older notation c.3100_3101delTC).
Protein change: p.Ser1034fs; shifts the reading frame from serine 1034.
Molecular consequence: frameshift variant.
Genome position (GRCh38, 1-based): chr10:43,126,635-43,126,636, TC deleted; deleting any 2 consecutive bases within chr10:43,126,632-43,126,636 gives the same sequence; the c. name uses the placement nearest the transcript's 3' end. VCF-style (leftmost placement, unchanged base first): chr10-43126631-CCT-C. GRCh37 (hg19) VCF-style: chr10-43622079-CCT-C.
Other names: c.3098_3099TC[1], p.Ser1034Argfs (NM_000323.2, NM_001406743.1, NM_001406744.1 and 5 more transcripts); c.2336_2337TC[1], p.Ser780Argfs (NM_001355216.2); c.2969_2970TC[1], p.Ser991Argfs (NM_001406761.1, NM_001406762.1, NM_001406764.1); c.2963_2964TC[1], p.Ser989Argfs (NM_001406763.1, NM_001406765.1); c.2810_2811TC[1], p.Ser938Argfs (NM_001406766.1, NM_001406767.1, NM_001406770.1); c.2834_2835TC[1], p.Ser946Argfs (NM_001406768.1); c.2702_2703TC[1], p.Ser902Argfs (NM_001406769.1, NM_001406772.1); c.2660_2661TC[1], p.Ser888Argfs (NM_001406771.1, NM_001406773.1); and 11 more; short protein forms S1034fs, S780fs.
Identifiers: ClinVar variation 1727640 (VCV001727640.2), dbSNP rs2538642532, ClinGen allele CA2580615457.
Genomic context (GRCh38, chr10:43,126,631, plus strand): 5'-CCAGGACTACTTGGACCTTGCGGCGTCCACTCCATCTGACTCCCTGATTTATGACGACGG[CCT>C]CTCAGAGGAGGAGACACCGCTGGTGGACTGTAATAATGCCCCCCTCCCTCGAGCCCTCCC-3'

ClinVar aggregate classification (germline): Pathogenic (1 of 4 stars; one submission).

Conditions:
Hereditary cancer-predisposing syndrome. Also called: Tumor predisposition; Neoplastic Syndromes, Hereditary; Hereditary Cancer Syndrome; Hereditary neoplastic syndrome. Identifiers: Orphanet 140162, MedGen C0027672, MeSH D009386, MONDO:0015356.

Submission:

Ambry Genetics
Classification: Pathogenic for Hereditary cancer-predisposing syndrome. Last evaluated: 2021-01-06. Review status: criteria provided, single submitter. Criteria: Ambry Variant Classification Scheme 2023. Collection method: clinical testing. Allele origin: germline.
Comment: The c.3100_3101delTC pathogenic mutation, located in coding exon 19 of the RET gene, results from a deletion of two nucleotides at nucleotide positions 3100 to 3101, causing a translational frameshift with a predicted alternate stop codon (p.S1034Rfs*10). This alteration is expected to result in loss of function by premature protein truncation or nonsense-mediated mRNA decay. Loss-of-function variants in RET are known to cause Hirschsprung disease; however, such associations with Multiple Endocrine Neoplasia Type-2 (MEN2) have not been observed (Amiel J and Lyonnet S. J Med Genet. 2001 Nov;38(11):729-39; Wagner SM et al. Clinics (Sao Paulo). 2012;67 Suppl 1(Suppl 1):77-84). Based on the supporting evidence, this alteration is pathogenic for Hirschsprung disease; however, the association of this alteration with MEN2 is unlikely.